The following is an entry in ClinVar:

ClinVar aggregate classification (germline): Pathogenic (1 of 4 stars; one submission).

Submission:

GeneDx
Classification: Pathogenic. Last evaluated: 2017-10-23. Review status: criteria provided, single submitter. Criteria: GeneDx Variant Classification (06012015). Collection method: clinical testing. Allele origin: germline. Affected: yes.
Comment: The Q561X variant in the HNRNPU gene has been reported previously as an apparently de novo mosaic variant in an individual with developmental delay, intellectual disability, and seizures (Depienne et al., 2017). This variant is predicted to cause loss of normal protein function either through protein truncation or nonsense-mediated mRNA decay. The Q561X variant is not observed in large population cohorts (Lek et al., 2016). We interpret Q561X as a pathogenic variant.

NM_031844.3(HNRNPU):c.1681C>T (p.Gln561Ter)

Gene: HNRNPU (heterogeneous nuclear ribonucleoprotein U; minus strand). Cytogenetic location: 1q44.
Variant type: single nucleotide variant.
Coding change: c.1681C>T on transcript NM_031844.3 (MANE Select); coding-DNA position 1681, C replaced by T.
Protein change: p.Gln561Ter; replaces glutamine 561 with a stop codon.
Molecular consequence: nonsense.
Genome position (GRCh38, 1-based): chr1:244,856,790, G>A on the plus strand (C>T on the coding strand, the complement: HNRNPU is on the minus strand). VCF-style: chr1-244856790-G-A. GRCh37 (hg19) VCF-style: chr1-245020092-G-A.
Other names: c.1624C>T, p.Gln542Ter (NM_004501.3); short protein forms Q561*, Q542*.
Identifiers: ClinVar variation 449036 (VCV000449036.2), dbSNP rs1553282385, ClinGen allele CA345489896.
Genomic context (GRCh38, chr1:244,856,790, plus strand): 5'-GATCCAGAATAAAATTTCGCTTCTTTCGGGCAGCAATCTCAATAAATTTCCCAAGACACT[G>A]GGGGGCTCTCTGCAACAGTGTGTTCAGTTTTCCAGTATCTGCCATTTGCTTCTTAAAACC-3'